The following is an entry in ClinVar:

NM_001356.5(DDX3X):c.1694AAG[1] (p.Glu566del)

Gene: DDX3X (DEAD-box helicase 3 X-linked; plus strand). Cytogenetic location: Xp11.4.
Variant type: Microsatellite.
Coding change: c.1694AAG[1] on transcript NM_001356.5 (MANE Select); one copy of the 3-base unit AAG starting at c.1694; the reference has two copies in a row; one copy, 3 bases deleted.
Protein change: p.Glu566del; deletes glutamic acid 566.
Molecular consequence: non-coding transcript variant (on NR_126093.1).
Genome position (GRCh38, 1-based): chrX:41,346,940-41,346,942, AAG deleted; deleting any 3 consecutive bases within chrX:41,346,937-41,346,942 gives the same sequence; the position shown is the placement nearest the transcript's 3' end. VCF-style (leftmost placement, unchanged base first): chrX-41346936-CAAG-C. GRCh37 (hg19) VCF-style: chrX-41206189-CAAG-C.
Other names: c.1694AAG[1], p.Glu566del (NM_001193416.3); c.1646AAG[1], p.Glu550del (NM_001193417.3); c.1136AAG[1], p.Glu380del (NM_001363819.1); short protein forms E380del, E550del, E566del.
Identifiers: ClinVar variation 5018470 (VCV005018470.1).
Genomic context (GRCh38, chrX:41,346,936, plus strand): 5'-TTTAACGAGAGGAACATAAATATTACTAAGGATTTGTTGGATCTTCTTGTTGAAGCTAAA[CAAG>C]AAGTGCCGTCTTGGTTAGAAAACATGGCTTATGAACACCACTACAAGGGTAGCAGTCGTG-3'

ClinVar aggregate classification (germline): Pathogenic (1 of 4 stars; one submission).

Submission:

GeneDx
Classification: Pathogenic. Last evaluated: 2026-04-08. Review status: criteria provided, single submitter. Criteria: GeneDx Variant Classification Process June 2021. Collection method: clinical testing. Allele origin: germline.
Comment: Not observed at significant frequency in large population cohorts (gnomAD); In-frame deletion of 1 amino acid(s) with an unclear effect on protein function; In silico analysis supports a deleterious effect on protein structure/function; Has not been previously published as pathogenic or benign to our knowledge; This variant is associated with the following publications: (PMID: 40772229)